The following is an entry in ClinVar:

ClinVar aggregate classification (germline): Uncertain significance. Review status: criteria provided, multiple submitters, no conflicts (2 of 4 stars). 2 submissions from 2 submitters: Uncertain significance (2). Last evaluated 2025-07-11.

Conditions:
Ehlers-Danlos syndrome, classic type, 1 (EDSCL1). Also called: EHLERS-DANLOS SYNDROME, GRAVIS TYPE; EHLERS-DANLOS SYNDROME, SEVERE CLASSIC TYPE; Ehlers-Danlos syndrome, type 1; Ehlers-Danlos Syndrome, Classic Type, COL5A1-Related; EDS I. Identifiers: MedGen C0268335, MONDO:0019567, OMIM 130000.
Osteogenesis imperfecta type I (OI1). Also called: OI, TYPE I; OSTEOGENESIS IMPERFECTA TARDA; OSTEOGENESIS IMPERFECTA WITH BLUE SCLERAE; Osteogenesis imperfecta type 1; Lobstein's Disease; Lobstein disease. Identifiers: Orphanet 216796, Orphanet 666, MedGen C0023931, MONDO:0008146, OMIM 166200. Disease mechanism: loss of function.

gnomAD v4.1: 3 of 1,613,064 alleles (0.00019%); highest among the groups gnomAD compares: East Asian, 0.0067%; no homozygotes.

Submissions (2):

GeneDx
Classification: Uncertain significance. Last evaluated: 2025-07-11. Review status: criteria provided, single submitter. Criteria: GeneDx Variant Classification Process June 2021. Collection method: clinical testing. Allele origin: germline. Affected: yes.
Comment: In silico analysis supports that this missense variant has a deleterious effect on protein structure/function; Occurs in the triple helical domain at the Y position in the canonical Gly-X-Y repeat; although this variant may have an effect on normal protein folding and function, missense substitution at the Y position is not a common mechanism of disease (HGMD); Has not been previously published as pathogenic or benign to our knowledge

Labcorp Genetics (formerly Invitae), Labcorp
Classification: Uncertain significance for Osteogenesis imperfecta type I; Ehlers-Danlos syndrome, classic type, 1. Last evaluated: 2024-10-03. Review status: criteria provided, single submitter. Criteria: Invitae Variant Classification Sherloc (09022015). Collection method: clinical testing. Allele origin: germline.
Comment: This sequence change replaces arginine, which is basic and polar, with proline, which is neutral and non-polar, at codon 675 of the COL1A2 protein (p.Arg675Pro). This variant is present in population databases (rs754443174, gnomAD 0.02%). This variant has not been reported in the literature in individuals affected with COL1A2-related conditions. Experimental studies and prediction algorithms are not available or were not evaluated, and the functional significance of this variant is currently unknown. In summary, the available evidence is currently insufficient to determine the role of this variant in disease. Therefore, it has been classified as a Variant of Uncertain Significance.

NM_000089.4(COL1A2):c.2024G>C (p.Arg675Pro)

Gene: COL1A2 (collagen type I alpha 2 chain; plus strand). Cytogenetic location: 7q21.3.
Variant type: single nucleotide variant.
Coding change: c.2024G>C on transcript NM_000089.4 (MANE Select); coding-DNA position 2024, G replaced by C.
Protein change: p.Arg675Pro; replaces arginine 675 with proline.
Molecular consequence: missense variant.
Genome position (GRCh38, 1-based): chr7:94,418,551, G>C. VCF-style: chr7-94418551-G-C. GRCh37 (hg19) VCF-style: chr7-94047863-G-C.
Other names: short protein forms R675P.
Identifiers: ClinVar variation 3761096 (VCV003761096.3).